The following is an entry in ClinVar:

NM_130468.4(CHST14):c.848A>G (p.Tyr283Cys)

Gene: CHST14 (carbohydrate sulfotransferase 14; plus strand). Cytogenetic location: 15q15.1.
Variant type: single nucleotide variant.
Coding change: c.848A>G on transcript NM_130468.4 (MANE Select); coding-DNA position 848, A replaced by G.
Protein change: p.Tyr283Cys; replaces tyrosine 283 with cysteine.
Molecular consequence: missense variant.
Genome position (GRCh38, 1-based): chr15:40,472,061, A>G. VCF-style: chr15-40472061-A-G. GRCh37 (hg19) VCF-style: chr15-40764260-A-G.
Other names: short protein forms Y283C.
Identifiers: ClinVar variation 5034588 (VCV005034588.1).

ClinVar aggregate classification (germline): Uncertain significance (1 of 4 stars; one submission).

Conditions:
Cardiovascular phenotype. Identifiers: MedGen CN230736.

Submission:

Ambry Genetics
Classification: Uncertain significance for Cardiovascular phenotype. Last evaluated: 2026-06-18. Review status: criteria provided, single submitter. Criteria: Ambry Variant Classification Scheme 2023. Collection method: clinical testing. Allele origin: germline.
Comment: The p.Y283C variant (also known as c.848A>G), located in coding exon 1 of the CHST14 gene, results from an A to G substitution at nucleotide position 848. The tyrosine at codon 283 is replaced by cysteine, an amino acid with highly dissimilar properties. This amino acid position is conserved. In addition, this alteration is predicted to be deleterious by in silico analysis. Based on the available evidence, the clinical significance of this variant remains unclear.